The following is an entry in ClinVar:

ClinVar aggregate classification (germline): Uncertain significance. Review status: criteria provided, multiple submitters, no conflicts (2 of 4 stars). 2 submissions from 2 submitters: Uncertain significance (2). Last evaluated 2024-04-19.

Conditions:
Duane retraction syndrome 3 with or without deafness (DURS3). Also called: DUANE RETRACTION SYNDROME 3; Duane syndrome type 3. Identifiers: Orphanet 233, MedGen C4310752, MONDO:0014880, OMIM 617041.
Multicentric carpo-tarsal osteolysis with or without nephropathy. Also called: Multicentric Osteolysis of Carpal Bones and Nephropathy; OSTEOLYSIS, HEREDITARY, OF CARPAL BONES WITH OR WITHOUT NEPHROPATHY; MULTICENTRIC CARPOTARSAL OSTEOLYSIS SYNDROME; MULTICENTRIC OSTEOLYSIS, AUTOSOMAL DOMINANT; Multicentric Carpotarsal Osteolysis with or without Nephropathy; Carnevale Canun Mendoza syndrome. Identifiers: Orphanet 2774, MedGen C2674705, MONDO:0008152, OMIM 166300.

Allele frequency attached by ClinVar (database versions not stated): gnomAD 0.00001; gnomAD exomes 0.00001; TOPMed 0.00002; ESP Exome Variant Server 0.00008.
gnomAD v4.1: 10 of 1,598,704 alleles (0.00063%); highest among the groups gnomAD compares: Non-Finnish European, 0.00076%; no homozygotes.

Submissions (2):

Fulgent Genetics
Classification: Uncertain significance for Multicentric carpo-tarsal osteolysis with or without nephropathy; Duane retraction syndrome 3 with or without deafness. Last evaluated: 2024-04-19. Review status: criteria provided, single submitter. Criteria: ACMG Guidelines, 2015. Collection method: clinical testing. Allele origin: germline.

Labcorp Genetics (formerly Invitae), Labcorp
Classification: Uncertain significance. Last evaluated: 2023-06-07. Review status: criteria provided, single submitter. Criteria: Invitae Variant Classification Sherloc (09022015). Collection method: clinical testing. Allele origin: germline.
Comment: This variant has not been reported in the literature in individuals affected with MAFB-related conditions. Advanced modeling of protein sequence and biophysical properties (such as structural, functional, and spatial information, amino acid conservation, physicochemical variation, residue mobility, and thermodynamic stability) performed at Invitae indicates that this missense variant is not expected to disrupt MAFB protein function. In summary, the available evidence is currently insufficient to determine the role of this variant in disease. Therefore, it has been classified as a Variant of Uncertain Significance. This variant is not present in population databases (gnomAD no frequency). This sequence change replaces histidine, which is basic and polar, with glutamine, which is neutral and polar, at codon 135 of the MAFB protein (p.His135Gln).

NM_005461.5(MAFB):c.405T>A (p.His135Gln)

Gene: MAFB (MAF bZIP transcription factor B; minus strand). Cytogenetic location: 20q12.
Variant type: single nucleotide variant.
Coding change: c.405T>A on transcript NM_005461.5 (MANE Select); coding-DNA position 405, T replaced by A.
Protein change: p.His135Gln; replaces histidine 135 with glutamine.
Molecular consequence: missense variant.
Genome position (GRCh38, 1-based): chr20:40,688,446, A>T on the plus strand (T>A on the coding strand, the complement: MAFB is on the minus strand). VCF-style: chr20-40688446-A-T. GRCh37 (hg19) VCF-style: chr20-39317086-A-T.
Other names: short protein forms H135Q.
Identifiers: ClinVar variation 2988873 (VCV002988873.4), dbSNP rs371814365, ClinGen allele CA9857797.